The following is an entry in ClinVar:

ClinVar aggregate classification (germline): Pathogenic. Review status: criteria provided, single submitter (1 of 4 stars). 2 submissions from 2 submitters: Pathogenic (1). 1 of the submissions does not count toward it. Last evaluated 2020-09-02.

Conditions:
Orofacial cleft 6, susceptibility to (OFC6). Also called: CLEFT LIP WITH OR WITHOUT CLEFT PALATE, NONSYNDROMIC, 6. Identifiers: MedGen C1837213, MONDO:0012141, OMIM 608864.
Popliteal pterygium syndrome (PPS). Identifiers: Orphanet 294963, MedGen C0265259, MONDO:0017435.
Van der Woude syndrome. Identifiers: Orphanet 888, MedGen C0175697, MONDO:0019508.
Van der Woude syndrome 1. Also called: CLEFT LIP AND/OR PALATE WITH MUCOUS CYSTS OF LOWER LIP; van der Woude Syndrome (VWS). Identifiers: MedGen C4551864, MONDO:0007333, OMIM 119300.

Submissions (2):

Labcorp Genetics (formerly Invitae), Labcorp
Classification: Pathogenic for Orofacial cleft 6, susceptibility to; Van der Woude syndrome; Popliteal pterygium syndrome. Last evaluated: 2020-09-02. Review status: criteria provided, single submitter. Criteria: Invitae Variant Classification Sherloc (09022015). Collection method: clinical testing. Allele origin: germline.
Comment: Loss-of-function variants in IRF6 are known to be pathogenic (PMID: 19282774, 23949966). This variant has been observed in individual(s) with clinical features of Van der Woude syndrome (PMID: 19842205). ClinVar contains an entry for this variant (Variation ID: 40077). This variant is not present in population databases (ExAC no frequency). This sequence change creates a premature translational stop signal (p.Gln49*) in the IRF6 gene. It is expected to result in an absent or disrupted protein product. For these reasons, this variant has been classified as Pathogenic.

OMIM
Classification: Pathogenic for VAN DER WOUDE SYNDROME 1. Last evaluated: 2009-11-01. Review status: no assertion criteria provided. Collection method: literature only. Allele origin: germline. Not counted in ClinVar's aggregate classification.

Literature cited by the submitters: PubMed 19282774 (cited by Labcorp Genetics (formerly Invitae), Labcorp); PubMed 23949966 (cited by Labcorp Genetics (formerly Invitae), Labcorp); PubMed 19842205 (cited by Labcorp Genetics (formerly Invitae), Labcorp and OMIM).

NM_006147.4(IRF6):c.145C>T (p.Gln49Ter)

Gene: IRF6 (interferon regulatory factor 6; minus strand). Cytogenetic location: 1q32.2.
Variant type: single nucleotide variant.
Coding change: c.145C>T on transcript NM_006147.4 (MANE Select); coding-DNA position 145, C replaced by T.
Protein change: p.Gln49Ter; replaces glutamine 49 with a stop codon.
Molecular consequence: nonsense. On other transcripts: intron variant (1).
Genome position (GRCh38, 1-based): chr1:209,801,269, G>A on the plus strand (C>T on the coding strand, the complement: IRF6 is on the minus strand). VCF-style: chr1-209801269-G-A. GRCh37 (hg19) VCF-style: chr1-209974614-G-A.
Other names: c.-112+4678C>T (NM_001206696.2); short protein forms Q49*.
Identifiers: ClinVar variation 40077 (VCV000040077.11), dbSNP rs397515434, ClinGen allele CA261244.